The following is an entry in ClinVar:

NM_000089.4(COL1A2):c.3841G>C (p.Glu1281Gln)

Gene: COL1A2 (collagen type I alpha 2 chain; plus strand). Cytogenetic location: 7q21.3.
Variant type: single nucleotide variant.
Coding change: c.3841G>C on transcript NM_000089.4 (MANE Select); coding-DNA position 3841, G replaced by C.
Protein change: p.Glu1281Gln; replaces glutamic acid 1281 with glutamine.
Molecular consequence: missense variant.
Genome position (GRCh38, 1-based): chr7:94,429,317, G>C. VCF-style: chr7-94429317-G-C. GRCh37 (hg19) VCF-style: chr7-94058629-G-C.
Other names: short protein forms E1281Q.
Identifiers: ClinVar variation 4613933 (VCV004613933.1).
Genomic context (GRCh38, chr7:94,429,317, plus strand): 5'-GCCAACTATGCCTCTCAGAACATCACCTACCACTGCAAGAACAGCATTGCATACATGGAT[G>C]AGGAGACTGGCAACCTGAAAAAGGCTGTCATTCTACAGGGCTCTAATGATGTTGAACTTG-3'
Protein context (NP_000080.2, residues 1271-1291): HCKNSIAYMD[Glu1281Gln]ETGNLKKAVI

ClinVar aggregate classification (germline): Uncertain significance (1 of 4 stars; one submission).

Conditions:
Cardiovascular phenotype. Identifiers: MedGen CN230736.

Submission:

Ambry Genetics
Classification: Uncertain significance for Cardiovascular phenotype. Last evaluated: 2025-11-25. Review status: criteria provided, single submitter. Criteria: Ambry Variant Classification Scheme 2023. Collection method: clinical testing. Allele origin: germline.
Comment: The p.E1281Q variant (also known as c.3841G>C), located in coding exon 51 of the COL1A2 gene, results from a G to C substitution at nucleotide position 3841. The glutamic acid at codon 1281 is replaced by glutamine, an amino acid with highly similar properties. This amino acid position is poorly conserved in available vertebrate species. In addition, this alteration is predicted to be tolerated by in silico analysis. Based on the available evidence, the clinical significance of this variant remains unclear.